The following is an entry in ClinVar:

NM_182961.4(SYNE1):c.14365C>G (p.Gln4789Glu)

Gene: SYNE1 (spectrin repeat containing nuclear envelope protein 1; minus strand). Cytogenetic location: 6q25.2.
Variant type: single nucleotide variant.
Coding change: c.14365C>G on transcript NM_182961.4 (MANE Select); coding-DNA position 14365, C replaced by G.
Protein change: p.Gln4789Glu; replaces glutamine 4789 with glutamic acid.
Molecular consequence: missense variant.
Genome position (GRCh38, 1-based): chr6:152,330,320, G>C on the plus strand (C>G on the coding strand, the complement: SYNE1 is on the minus strand). VCF-style: chr6-152330320-G-C. GRCh37 (hg19) VCF-style: chr6-152651455-G-C.
Other names: c.14152C>G, p.Gln4718Glu (NM_033071.5); short protein forms Q4718E, Q4789E.
Identifiers: ClinVar variation 645012 (VCV000645012.9), dbSNP rs764205112, ClinGen allele CA4056017.

ClinVar aggregate classification (germline): Uncertain significance (1 of 4 stars; one submission).

Conditions:
Autosomal recessive ataxia, Beauce type. Also called: Spinocerebellar ataxia, autosomal recessive 8; ATAXIA, RECESSIVE, OF BEAUCE; SYNE1 Deficiency; SYNE1-Related Autosomal Recessive Cerebellar Ataxia. Identifiers: Orphanet 88644, MedGen C1853116, MONDO:0012549, OMIM 610743.
Emery-Dreifuss muscular dystrophy 4, autosomal dominant (EDMD4). Also called: EMERY-DREIFUSS MUSCULAR DYSTROPHY 4 WITH VARIABLE FEATURES. Identifiers: Orphanet 261, MedGen C2751807, MONDO:0013071, OMIM 612998.

Allele frequency attached by ClinVar (database versions not stated): gnomAD 0.00001; gnomAD exomes 0.00002 and 0.00007; TOPMed 0.00004; ExAC 0.00006.
gnomAD v4.1: 35 of 1,614,160 alleles (0.0022%); highest among the groups gnomAD compares: East Asian, 0.071%; no homozygotes.

Submission:

Labcorp Genetics (formerly Invitae), Labcorp
Classification: Uncertain significance for Emery-Dreifuss muscular dystrophy 4, autosomal dominant; Autosomal recessive ataxia, Beauce type. Last evaluated: 2024-10-01. Review status: criteria provided, single submitter. Criteria: Invitae Variant Classification Sherloc (09022015). Collection method: clinical testing. Allele origin: germline.
Comment: This sequence change replaces glutamine, which is neutral and polar, with glutamic acid, which is acidic and polar, at codon 4718 of the SYNE1 protein (p.Gln4718Glu). This variant is present in population databases (rs764205112, gnomAD 0.1%). This variant has not been reported in the literature in individuals affected with SYNE1-related conditions. ClinVar contains an entry for this variant (Variation ID: 645012). An algorithm developed to predict the effect of missense changes on protein structure and function (PolyPhen-2) suggests that this variant is likely to be tolerated. In summary, the available evidence is currently insufficient to determine the role of this variant in disease. Therefore, it has been classified as a Variant of Uncertain Significance.